The following is an entry in ClinVar:

ClinVar aggregate classification (germline): Conflicting classifications of pathogenicity. Review status: criteria provided, conflicting classifications (1 of 4 stars). 2 submissions from 2 submitters: Uncertain significance (1); Likely benign (1). Last evaluated 2025-09-29.

Conditions:
Hereditary nonpolyposis colorectal neoplasms. Identifiers: MedGen C0009405, MeSH D003123.

Submissions (2):

Labcorp Genetics (formerly Invitae), Labcorp
Classification: Uncertain significance for Hereditary nonpolyposis colorectal neoplasms. Last evaluated: 2025-09-29. Review status: criteria provided, single submitter. Criteria: Invitae Variant Classification Sherloc (09022015). Collection method: clinical testing. Allele origin: germline.
Comment: This sequence change falls in intron 13 of the PMS2 gene. It does not directly change the encoded amino acid sequence of the PMS2 protein. The frequency data for this variant in the population databases (gnomAD) is considered unreliable due to the presence of homologous sequence, such as pseudogenes or paralogs, in the genome. This variant has not been reported in the literature in individuals affected with PMS2-related conditions. ClinVar contains an entry for this variant (Variation ID: 390389). Algorithms developed to predict the effect of sequence changes on RNA splicing suggest that this variant may disrupt the consensus splice site. In summary, the available evidence is currently insufficient to determine the role of this variant in disease. Therefore, it has been classified as a Variant of Uncertain Significance.

GeneDx
Classification: Likely benign. Last evaluated: 2016-10-24. Review status: criteria provided, single submitter. Criteria: GeneDx Variant Classification (06012015). Collection method: clinical testing. Allele origin: germline. Affected: yes.
Comment: This variant is considered likely benign or benign based on one or more of the following criteria: it is a conservative change, it occurs at a poorly conserved position in the protein, it is predicted to be benign by multiple in silico algorithms, and/or has population frequency not consistent with disease.

NM_000535.7(PMS2):c.2276-17A>G

Gene: PMS2 (PMS1 homolog 2, mismatch repair system component; minus strand). Cytogenetic location: 7p22.1.
Variant type: single nucleotide variant.
Coding change: c.2276-17A>G on transcript NM_000535.7 (MANE Select); 17 bases into the intron before coding-DNA position 2276, A replaced by G.
Molecular consequence: intron variant. On other transcripts: synonymous variant (2).
Genome position (GRCh38, 1-based): chr7:5,977,774, T>C on the plus strand (A>G on the coding strand, the complement: PMS2 is on the minus strand). VCF-style: chr7-5977774-T-C. GRCh37 (hg19) VCF-style: chr7-6017405-T-C.
Other names: c.1887A>G, p.Gln629= (NM_001322009.2); c.2292A>G, p.Gln764= (NM_001322014.2); c.1958-17A>G (NM_001322008.2, NM_001322007.2); c.1715-17A>G (NM_001322010.2); c.1871-17A>G (NM_001322004.2, NM_001322003.2, NM_001322005.2); c.1703-17A>G (NM_001322013.2); c.1343-17A>G (NM_001322012.2, NM_001322011.2); c.1967-17A>G (NM_001322015.2); and 1 more.
Identifiers: ClinVar variation 390389 (VCV000390389.7), dbSNP rs1057523755, ClinGen allele CA16605112.